The following is an entry in ClinVar:

NM_001330078.2(NRXN1):c.256G>A (p.Gly86Ser)

Gene: NRXN1 (neurexin 1; minus strand). Cytogenetic location: 2p16.3.
Variant type: single nucleotide variant.
Coding change: c.256G>A on transcript NM_001330078.2 (MANE Select); coding-DNA position 256, G replaced by A.
Protein change: p.Gly86Ser; replaces glycine 86 with serine.
Molecular consequence: missense variant.
Genome position (GRCh38, 1-based): chr2:51,028,018, C>T on the plus strand (G>A on the coding strand, the complement: NRXN1 is on the minus strand). VCF-style: chr2-51028018-C-T. GRCh37 (hg19) VCF-style: chr2-51255156-C-T.
Other names: c.256G>A, p.Gly86Ser (NM_001135659.3, NM_001330077.2, NM_001330079.2 and 15 more transcripts); short protein forms G86S.
Identifiers: ClinVar variation 954221 (VCV000954221.9), dbSNP rs1434753092, ClinGen allele CA346824368.

ClinVar aggregate classification (germline): Uncertain significance (1 of 4 stars; one submission).

Conditions:
Pitt-Hopkins-like syndrome 2 (PTHSL2). Identifiers: Orphanet 221150, Orphanet 600663, MedGen C3280479, MONDO:0013690, OMIM 614325.

Allele frequency attached by ClinVar (database versions not stated): gnomAD exomes below 0.00001 and 0.00001; gnomAD 0.00001.
gnomAD v4.1: 4 of 1,599,388 alleles (0.00025%); highest among the groups gnomAD compares: Non-Finnish European, 0.00025%; no homozygotes.

Submission:

Labcorp Genetics (formerly Invitae), Labcorp
Classification: Uncertain significance for Pitt-Hopkins-like syndrome 2. Last evaluated: 2019-09-09. Review status: criteria provided, single submitter. Criteria: Invitae Variant Classification Sherloc (09022015). Collection method: clinical testing. Allele origin: germline.
Comment: This sequence change replaces glycine with serine at codon 86 of the NRXN1 protein (p.Gly86Ser). The glycine residue is highly conserved and there is a small physicochemical difference between glycine and serine. In summary, the available evidence is currently insufficient to determine the role of this variant in disease. Therefore, it has been classified as a Variant of Uncertain Significance. Algorithms developed to predict the effect of sequence changes on RNA splicing suggest that this variant may create or strengthen a splice site, but this prediction has not been confirmed by published transcriptional studies. Algorithms developed to predict the effect of missense changes on protein structure and function are either unavailable or do not agree on the potential impact of this missense change (SIFT: "Deleterious"; PolyPhen-2: "Probably Damaging"; Align-GVGD: "Class C0"). This variant has not been reported in the literature in individuals with NRXN1-related conditions. This variant is not present in population databases (ExAC no frequency).